The following is an entry in ClinVar:

ClinVar aggregate classification (germline): Uncertain significance (1 of 4 stars; one submission).

Conditions:
MACF1-related disorder. Also called: MACF1-related condition.

Submission:

PreventionGenetics, part of Exact Sciences
Classification: Uncertain significance for MACF1-related condition. Last evaluated: 2026-05-25. Review status: criteria provided, single submitter. Criteria: ACMG Guidelines, 2015. Collection method: clinical testing. Allele origin: germline.
Comment: The MACF1 c.2488G>A variant is predicted to result in the amino acid substitution p.Asp830Asn. To our knowledge, this variant has not been reported in the literature or in a large population database (gnomAD), indicating this variant is rare. At this time, the clinical significance of this variant is uncertain due to the absence of conclusive functional and genetic evidence.

NM_001394062.1(MACF1):c.2473G>A (p.Asp825Asn)

Gene: MACF1 (microtubule actin crosslinking factor 1; plus strand). Cytogenetic location: 1p34.3.
Variant type: single nucleotide variant.
Coding change: c.2473G>A on transcript NM_001394062.1 (MANE Select); coding-DNA position 2473, G replaced by A.
Protein change: p.Asp825Asn; replaces aspartic acid 825 with asparagine.
Molecular consequence: missense variant.
Genome position (GRCh38, 1-based): chr1:39,297,737, G>A. VCF-style: chr1-39297737-G-A. GRCh37 (hg19) VCF-style: chr1-39763409-G-A.
Other names: c.2488G>A, p.Asp830Asn (NM_012090.5); short protein forms D830N, D825N.
Identifiers: ClinVar variation 4994980 (VCV004994980.1).